The following is an entry in ClinVar:

ClinVar aggregate classification (germline): Uncertain significance. Review status: criteria provided, multiple submitters, no conflicts (2 of 4 stars). 4 submissions from 4 submitters: Uncertain significance (4). Last evaluated 2025-09-17.

Conditions:
Cardiovascular phenotype. Identifiers: MedGen CN230736.
Long QT syndrome (LQTS). Identifiers: MedGen C0023976, MeSH D008133, MONDO:0002442. Disease mechanism: loss of function. Inheritance: Various modes of inheritance.
Long QT syndrome 12 (LQT12). Identifiers: Orphanet 101016, Orphanet 768, MedGen C2751830, MONDO:0013062, OMIM 612955.

Allele frequency attached by ClinVar (database versions not stated): TOPMed below 0.00001; ExAC 0.00001; gnomAD exomes 0.00001.
gnomAD v4.1: 7 of 1,614,110 alleles (0.00043%); highest among the groups gnomAD compares: Admixed American, 0.0017%; no homozygotes.

Submissions (4):

Ambry Genetics
Classification: Uncertain significance for Cardiovascular phenotype. Last evaluated: 2025-09-17. Review status: criteria provided, single submitter. Criteria: Ambry Variant Classification Scheme 2023. Collection method: clinical testing. Allele origin: germline.
Comment: The p.I135L variant (also known as c.403A>C), located in coding exon 2 of the SNTA1 gene, results from an A to C substitution at nucleotide position 403. The isoleucine at codon 135 is replaced by leucine, an amino acid with highly similar properties. This amino acid position is conserved. In addition, the in silico prediction for this alteration is inconclusive. Since supporting evidence is limited at this time, the clinical significance of this alteration remains unclear.

Labcorp Genetics (formerly Invitae), Labcorp
Classification: Uncertain significance for Long QT syndrome. Last evaluated: 2025-08-27. Review status: criteria provided, single submitter. Criteria: Invitae Variant Classification Sherloc (09022015). Collection method: clinical testing. Allele origin: germline.
Comment: This sequence change replaces isoleucine, which is neutral and non-polar, with leucine, which is neutral and non-polar, at codon 135 of the SNTA1 protein (p.Ile135Leu). This variant is present in population databases (rs756587722, gnomAD 0.003%). This variant has not been reported in the literature in individuals affected with SNTA1-related conditions. ClinVar contains an entry for this variant (Variation ID: 190938). Invitae Evidence Modeling of protein sequence and biophysical properties (such as structural, functional, and spatial information, amino acid conservation, physicochemical variation, residue mobility, and thermodynamic stability) indicates that this missense variant is expected to disrupt SNTA1 protein function with a positive predictive value of 80%. In summary, the available evidence is currently insufficient to determine the role of this variant in disease. Therefore, it has been classified as a Variant of Uncertain Significance.

Fulgent Genetics
Classification: Uncertain significance for Long QT syndrome 12. Last evaluated: 2021-10-20. Review status: criteria provided, single submitter. Criteria: ACMG Guidelines, 2015. Collection method: clinical testing. Allele origin: unknown.

GeneDx
Classification: Uncertain significance. Last evaluated: 2011-11-28. Review status: criteria provided, single submitter. Criteria: GeneDx Variant Classification (06012015). Collection method: clinical testing. Allele origin: germline. Affected: yes.
Comment: The Ile135Leu variant in the SNTA1 gene has not been reported previously as a disease-causing mutation or as a benign polymorphism to our knowledge. Ile135Leu results in a conservative amino acid substitution of one non-polar residue for another at a residue that is conserved across species throughout evolution. In silico analysis predicts this change to be probably damaging to protein structure/function (6, 7). Ile135Leu was not observed in up to 600 control alleles of African American and Caucasian ethnic backgrounds tested at GeneDx, indicating it is not a common benign polymorphism in these populations. Nevertheless, no mutations have been reported in surrounding residues, indicating this region of the protein may be tolerant of change. Therefore, with the molecular and clinical information available at this time, we cannot determine whether the Ile135Leu varaint is a disease-causing mutation or a rare benign variant. A pathogenic role for Ile135Leu would be supported if it occurs de novo in an individual or co-segregates with a LQTS phenotype in a family. The variant is found in LQT panel(s).

NM_003098.3(SNTA1):c.403A>C (p.Ile135Leu)

Gene: SNTA1 (syntrophin alpha 1; minus strand). Cytogenetic location: 20q11.21.
Variant type: single nucleotide variant.
Coding change: c.403A>C on transcript NM_003098.3 (MANE Select); coding-DNA position 403, A replaced by C.
Protein change: p.Ile135Leu; replaces isoleucine 135 with leucine.
Molecular consequence: missense variant.
Genome position (GRCh38, 1-based): chr20:33,438,934, T>G on the plus strand (A>C on the coding strand, the complement: SNTA1 is on the minus strand). VCF-style: chr20-33438934-T-G. GRCh37 (hg19) VCF-style: chr20-32026740-T-G.
Other names: p.I135L:ATC>CTC; short protein forms I135L.
Identifiers: ClinVar variation 190938 (VCV000190938.14), dbSNP rs756587722, ClinGen allele CA302339.